The following is an entry in ClinVar:

ClinVar aggregate classification (germline): Likely pathogenic (1 of 4 stars; one submission).

Conditions:
Familial hypokalemia-hypomagnesemia (GTLMNS). Also called: HYPOMAGNESEMIA-HYPOKALEMIA, PRIMARY RENOTUBULAR, WITH HYPOCALCIURIA; POTASSIUM AND MAGNESIUM DEPLETION; gitelman syndrome. Identifiers: Orphanet 358, MedGen C0268450, MONDO:0009904, OMIM 263800.

Submission:

3billion
Classification: Likely pathogenic for Familial hypokalemia-hypomagnesemia. Last evaluated: 2023-12-13. Review status: criteria provided, single submitter. Criteria: ACMG Guidelines, 2015. Collection method: clinical testing. Allele origin: germline. Affected: yes.
Comment: The variant is not observed in the gnomAD v2.1.1 dataset. Predicted Consequence/Location: Stop-gained (nonsense): predicted to result in a loss or disruption of normal protein function through nonsense-mediated decay (NMD) or protein truncation. Multiple pathogenic variants are reported downstream of the variant. Therefore, this variant is classified as Likely pathogenic according to the recommendation of ACMG/AMP guideline.

NM_001126108.2(SLC12A3):c.1527C>A (p.Tyr509Ter)

Gene: SLC12A3 (solute carrier family 12 member 3; plus strand). Cytogenetic location: 16q13.
Variant type: single nucleotide variant.
Coding change: c.1527C>A on transcript NM_001126108.2 (MANE Select); coding-DNA position 1527, C replaced by A.
Protein change: p.Tyr509Ter; replaces tyrosine 509 with a stop codon.
Molecular consequence: nonsense.
Genome position (GRCh38, 1-based): chr16:56,880,213, C>A. VCF-style: chr16-56880213-C-A. GRCh37 (hg19) VCF-style: chr16-56914125-C-A.
Other names: c.1527C>A, p.Tyr509Ter (NM_000339.3); c.1524C>A, p.Tyr508Ter (NM_001126107.2, NM_001410896.1); short protein forms Y508*, Y509*.
Identifiers: ClinVar variation 3775264 (VCV003775264.1).